The following is an entry in ClinVar:

ClinVar aggregate classification (germline): Uncertain significance (1 of 4 stars; one submission).

Conditions:
Alstrom syndrome (ALMS). Identifiers: Orphanet 64, MedGen C0268425, MONDO:0008763, OMIM 203800.

Allele frequency attached by ClinVar (database versions not stated): TOPMed below 0.00001; ExAC 0.00001.

Submission:

Labcorp Genetics (formerly Invitae), Labcorp
Classification: Uncertain significance for Alstrom syndrome. Last evaluated: 2022-07-20. Review status: criteria provided, single submitter. Criteria: Invitae Variant Classification Sherloc (09022015). Collection method: clinical testing. Allele origin: germline.
Comment: This sequence change replaces cysteine, which is neutral and slightly polar, with tyrosine, which is neutral and polar, at codon 2396 of the ALMS1 protein (p.Cys2396Tyr). This variant is present in population databases (rs762724193, gnomAD 0.007%). This variant has not been reported in the literature in individuals affected with ALMS1-related conditions. Experimental studies and prediction algorithms are not available or were not evaluated, and the functional significance of this variant is currently unknown. In summary, the available evidence is currently insufficient to determine the role of this variant in disease. Therefore, it has been classified as a Variant of Uncertain Significance.

NM_001378454.1(ALMS1):c.7184G>A (p.Cys2395Tyr)

Gene: ALMS1 (ALMS1 centrosome and basal body associated protein; plus strand). Cytogenetic location: 2p13.1.
Variant type: single nucleotide variant.
Coding change: c.7184G>A on transcript NM_001378454.1 (MANE Select); coding-DNA position 7184, G replaced by A.
Protein change: p.Cys2395Tyr; replaces cysteine 2395 with tyrosine.
Molecular consequence: missense variant.
Genome position (GRCh38, 1-based): chr2:73,453,711, G>A. VCF-style: chr2-73453711-G-A. GRCh37 (hg19) VCF-style: chr2-73680838-G-A.
Other names: c.7187G>A, p.Cys2396Tyr (NM_015120.4); short protein forms C2396Y, C2395Y.
Identifiers: ClinVar variation 1972357 (VCV001972357.2), dbSNP rs762724193, ClinGen allele CA1714192.
Genomic context (GRCh38, chr2:73,453,711, plus strand): 5'-AAGAAACTCTTAGGCAATATCAAGCAGCCAAATCTGTAATGAGGTCTGAACCTGAAGGGT[G>A]TAGTGGAACCATTGGGAATAAAATTATTATCCCTATGATGACTGTCATAAAAAGTGATTC-3'
Protein context (NP_001365383.1, residues 2385-2405): KSVMRSEPEG[Cys2395Tyr]SGTIGNKIII